The following is an entry in ClinVar:

ClinVar aggregate classification (germline): Uncertain significance (1 of 4 stars; one submission).

Conditions:
Developmental and epileptic encephalopathy 94 (DEE94). Also called: Epileptic encephalopathy, childhood-onset; CHD2-Related Neurodevelopmental Disorders. Identifiers: Orphanet 1942, Orphanet 2382, MedGen C3809278, MONDO:0014150, OMIM 615369.

Submission:

Neuberg Centre For Genomic Medicine, NCGM
Classification: Uncertain significance for Developmental and epileptic encephalopathy 94. Last evaluated: 2023-05-20. Review status: criteria provided, single submitter. Criteria: ACMG Guidelines, 2015. Collection method: clinical testing. Allele origin: germline. Inheritance: Autosomal dominant inheritance. Affected: yes.
Comment: The observed missense c.3780G>C (p.Glu1260Asp) variant in CHD2 gene has not been reported previously as a pathogenic variant nor as a benign variant, to our knowledge. The p.Glu1260Asp variant is absent in gnomAD Exomes. This variant has not been submitted to the ClinVar database. Multiple lines of computational evidence (Polyphen - Benign, SIFT - Tolerated and MutationTaster - Polymorphism) predict no damaging effect on protein structure and function for this variant. The amino acid change p.Glu1260Asp in CHD2 is predicted as conserved by PhyloP across 100 vertebrates. The amino acid Glu at position 1260 is changed to a Asp changing protein sequence and it might alter its composition and physico-chemical properties. For these reasons, this variant has been classified as a Variant of Uncertain Significance (VUS).

NM_001271.4(CHD2):c.3780G>C (p.Glu1260Asp)

Gene: CHD2 (chromodomain helicase DNA binding protein 2; plus strand). Cytogenetic location: 15q26.1.
Variant type: single nucleotide variant.
Coding change: c.3780G>C on transcript NM_001271.4 (MANE Select); coding-DNA position 3780, G replaced by C.
Protein change: p.Glu1260Asp; replaces glutamic acid 1260 with aspartic acid.
Molecular consequence: missense variant.
Genome position (GRCh38, 1-based): chr15:92,997,298, G>C. VCF-style: chr15-92997298-G-C. GRCh37 (hg19) VCF-style: chr15-93540528-G-C.
Other names: short protein forms E1260D.
Identifiers: ClinVar variation 3341450 (VCV003341450.1).